The following is an entry in ClinVar:

NM_001376.5(DYNC1H1):c.791G>T (p.Arg264Leu)

Gene: DYNC1H1 (dynein cytoplasmic 1 heavy chain 1; plus strand). Cytogenetic location: 14q32.31.
Variant type: single nucleotide variant.
Coding change: c.791G>T on transcript NM_001376.5 (MANE Select); coding-DNA position 791, G replaced by T.
Protein change: p.Arg264Leu; replaces arginine 264 with leucine.
Molecular consequence: missense variant.
Genome position (GRCh38, 1-based): chr14:101,980,380, G>T. VCF-style: chr14-101980380-G-T. GRCh37 (hg19) VCF-style: chr14-102446717-G-T.
Other names: short protein forms R264L.
Identifiers: ClinVar variation 162033 (VCV000162033.3), dbSNP rs713993043, ClinGen allele CA346108.
Genomic context (GRCh38, chr14:101,980,380, plus strand): 5'-TGTTTAAATAGTGAATACCCTTGGGTGTTATTTTATTTTCAAAGGTGACCAAACTGGATC[G>T]AGATCCTGCATCAGGAACTGCCTTACAGGAAATTAGTTTTTGGCTAAACTTGGAACGTGC-3'
Protein context (NP_001367.2, residues 254-274): REIQKVTKLD[Arg264Leu]DPASGTALQE

ClinVar aggregate classification (germline): Pathogenic. Review status: criteria provided, multiple submitters, no conflicts (2 of 4 stars). 3 submissions from 3 submitters: Pathogenic (2). 1 of the submissions does not count toward it. Last evaluated 2024-11-19.

Conditions:
Spinal muscular atrophy (SMA). Identifiers: MedGen C0026847, MeSH D009134, MONDO:0001516, HP:0007269.
Charcot-Marie-Tooth disease axonal type 2O. Also called: CHARCOT-MARIE-TOOTH NEUROPATHY, AXONAL, TYPE 2O; CHARCOT-MARIE-TOOTH DISEASE, AXONAL, AUTOSOMAL DOMINANT, TYPE 2O; Charcot-Marie-Tooth disease, axonal, type 20; Charcot-Marie-Tooth Neuropathy Type 2O. Identifiers: Orphanet 284232, MedGen C3280220, MONDO:0013644, OMIM 614228.

Submissions (3):

GeneDx
Classification: Pathogenic. Last evaluated: 2024-11-19. Review status: criteria provided, single submitter. Criteria: GeneDx Variant Classification Process June 2021. Collection method: clinical testing. Allele origin: germline. Affected: yes.
Comment: Not observed at significant frequency in large population cohorts (gnomAD); In silico analysis supports that this missense variant has a deleterious effect on protein structure/function; This variant is associated with the following publications: (PMID: 25512093, 25609763, 26100331, 26578860)

Molecular Neurogenomics lab, VIB Department of Molecular Genetics; University of Antwerp
Classification: Pathogenic for Spinal muscular atrophy. Last evaluated: 2013-06-21. Review status: criteria provided, single submitter. Criteria: Submitter's publication. Collection method: research. Allele origin: de novo. Inheritance: Autosomal dominant inheritance. Affected: yes. Observed: 1 variant allele, 1 heterozygote.
Comment: absent in 179 ethnically matched controls

Inherited Neuropathy Consortium Ii, University Of Miami
Classification: Uncertain significance for Charcot-Marie-Tooth disease axonal type 2O. Last evaluated: 2016-01-06. Review status: no assertion criteria provided. Collection method: literature only. Allele origin: germline. Affected: yes. Not counted in ClinVar's aggregate classification.

Literature cited by the submitters: PubMed 25512093 (cited by Inherited Neuropathy Consortium Ii, University Of Miami).